The following is an entry in ClinVar:

NM_006929.5(SKIC2):c.3172C>T (p.Arg1058Ter)

Gene: SKIC2 (SKI2 subunit of superkiller complex; plus strand). Cytogenetic location: 6p21.33.
Variant type: single nucleotide variant.
Coding change: c.3172C>T on transcript NM_006929.5 (MANE Select); coding-DNA position 3172, C replaced by T.
Protein change: p.Arg1058Ter; replaces arginine 1058 with a stop codon.
Molecular consequence: nonsense.
Genome position (GRCh38, 1-based): chr6:31,968,788, C>T. VCF-style: chr6-31968788-C-T. GRCh37 (hg19) VCF-style: chr6-31936565-C-T.
Other names: short protein forms R1058*.
Identifiers: ClinVar variation 2910197 (VCV002910197.3), dbSNP rs759428204, ClinGen allele CA3729984.

ClinVar aggregate classification (germline): Pathogenic (1 of 4 stars; one submission).

Allele frequency attached by ClinVar (database versions not stated): ExAC 0.00001.
gnomAD v4.1: 2 of 1,609,542 alleles (0.00012%); highest among the groups gnomAD compares: Non-Finnish European, 0.00017%; no homozygotes.

Submission:

Labcorp Genetics (formerly Invitae), Labcorp
Classification: Pathogenic. Last evaluated: 2024-01-04. Review status: criteria provided, single submitter. Criteria: Invitae Variant Classification Sherloc (09022015). Collection method: clinical testing. Allele origin: germline.
Comment: This sequence change creates a premature translational stop signal (p.Arg1058*) in the SKIV2L gene. It is expected to result in an absent or disrupted protein product. Loss-of-function variants in SKIV2L are known to be pathogenic (PMID: 22444670). This variant is present in population databases (rs759428204, gnomAD 0.0009%). This premature translational stop signal has been observed in individual(s) with trichohepatoenteric syndrome (PMID: 29527791). Algorithms developed to predict the effect of sequence changes on RNA splicing suggest that this variant may disrupt the consensus splice site. For these reasons, this variant has been classified as Pathogenic.

Literature cited by the submitters: PubMed 22444670; PubMed 29527791.